The following is an entry in ClinVar:

NM_201384.3(PLEC):c.5248C>G (p.Arg1750Gly)

Gene: PLEC (plectin; minus strand). Cytogenetic location: 8q24.3.
Variant type: single nucleotide variant.
Coding change: c.5248C>G on transcript NM_201384.3 (MANE Select); coding-DNA position 5248, C replaced by G.
Protein change: p.Arg1750Gly; replaces arginine 1750 with glycine.
Molecular consequence: missense variant.
Genome position (GRCh38, 1-based): chr8:143,924,681, G>C on the plus strand (C>G on the coding strand, the complement: PLEC is on the minus strand). VCF-style: chr8-143924681-G-C. GRCh37 (hg19) VCF-style: chr8-144998849-G-C.
Other names: c.5329C>G, p.Arg1777Gly (NM_000445.5); c.5206C>G, p.Arg1736Gly (NM_201378.4); c.5182C>G, p.Arg1728Gly (NM_201379.3); c.5659C>G, p.Arg1887Gly (NM_201380.4); c.5152C>G, p.Arg1718Gly (NM_201381.3); c.5248C>G, p.Arg1750Gly (NM_201382.4); c.5260C>G, p.Arg1754Gly (NM_201383.3); short protein forms R1718G, R1777G, R1887G, R1736G, R1750G, R1754G, R1728G.
Identifiers: ClinVar variation 1406451 (VCV001406451.9), dbSNP rs782410213, ClinGen allele CA372548465.
Genomic context (GRCh38, chr8:143,924,681, plus strand): 5'-TGGCCAGCAGCACCTCCATCTCGGCCCGCACCTTGGCCAGCTCGGCTTCCAGCTCCTGCC[G>C]TTTCTGCGTGGCTGCAGCCGCCTCACGCTGCAGCCGGGCCAGCTCCTCCTCCAGCAGCTG-3'
Protein context (NP_958786.1, residues 1740-1760): QREAAAATQK[Arg1750Gly]QELEAELAKV

ClinVar aggregate classification (germline): Uncertain significance (1 of 4 stars; one submission).

Conditions:
Epidermolysis bullosa simplex 5C, with pyloric atresia (EBS5C). Also called: Epidermolysis bullosa simplex with pyloric atresia; PLEC-Related Epidermolysis Bullosa with Pyloric Atresia; PLEC1-Related Epidermolysis Bullosa with Pyloric Atresia. Identifiers: Orphanet 158684, MedGen C2677349, MONDO:0012807, OMIM 612138.
Epidermolysis bullosa simplex with nail dystrophy (EBS5D). Identifiers: MedGen C4225309, MONDO:0014661, OMIM 616487.
Epidermolysis bullosa simplex 5B, with muscular dystrophy (EBS5B). Also called: Epidermolysis bullosa simplex with muscular dystrophy; EPIDERMOLYSIS BULLOSA SIMPLEX AND LIMB-GIRDLE MUSCULAR DYSTROPHY. Identifiers: Orphanet 257, MedGen C2931072, MONDO:0009181, OMIM 226670.
Autosomal recessive limb-girdle muscular dystrophy type 2Q (LGMDR17). Also called: MUSCULAR DYSTROPHY, LIMB-GIRDLE, AUTOSOMAL RECESSIVE 17. Identifiers: Orphanet 254361, MedGen C3150989, MONDO:0013390, OMIM 613723.
Epidermolysis bullosa simplex, Ogna type (EBS5A). Also called: Pidermolysis bullosa simplex 5A, Ogna type; EPIDERMOLYSIS BULLOSA SIMPLEX 5A, OGNA TYPE. Identifiers: Orphanet 79401, MedGen C0432317, MONDO:0007555, OMIM 131950.

gnomAD v4.1: 6 of 1,534,784 alleles (0.00039%); highest among the groups gnomAD compares: Non-Finnish European, 0.00052%; no homozygotes.

Submission:

Labcorp Genetics (formerly Invitae), Labcorp
Classification: Uncertain significance for Autosomal recessive limb-girdle muscular dystrophy type 2Q; Epidermolysis bullosa simplex, Ogna type; Epidermolysis bullosa simplex with nail dystrophy; Epidermolysis bullosa simplex 5C, with pyloric atresia; Epidermolysis bullosa simplex 5B, with muscular dystrophy. Last evaluated: 2023-12-02. Review status: criteria provided, single submitter. Criteria: Invitae Variant Classification Sherloc (09022015). Collection method: clinical testing. Allele origin: germline.
Comment: This sequence change replaces arginine, which is basic and polar, with glycine, which is neutral and non-polar, at codon 1777 of the PLEC protein (p.Arg1777Gly). This variant is not present in population databases (gnomAD no frequency). This variant has not been reported in the literature in individuals affected with PLEC-related conditions. ClinVar contains an entry for this variant (Variation ID: 1406451). Experimental studies and prediction algorithms are not available or were not evaluated, and the functional significance of this variant is currently unknown. In summary, the available evidence is currently insufficient to determine the role of this variant in disease. Therefore, it has been classified as a Variant of Uncertain Significance.